The following is an entry in ClinVar:

NM_003128.3(SPTBN1):c.155G>A (p.Arg52His)

Gene: SPTBN1 (spectrin beta, non-erythrocytic 1; plus strand). Cytogenetic location: 2p16.2.
Variant type: single nucleotide variant.
Coding change: c.155G>A on transcript NM_003128.3 (MANE Select); coding-DNA position 155, G replaced by A.
Protein change: p.Arg52His; replaces arginine 52 with histidine.
Molecular consequence: missense variant.
Genome position (GRCh38, 1-based): chr2:54,599,098, G>A. VCF-style: chr2-54599098-G-A. GRCh37 (hg19) VCF-style: chr2-54826235-G-A.
Other names: c.116G>A, p.Arg39His (NM_178313.3); short protein forms R39H, R52H.
Identifiers: ClinVar variation 4536290 (VCV004536290.1).

ClinVar aggregate classification (germline): Uncertain significance (1 of 4 stars; one submission).

gnomAD v4.1: 2 of 1,613,900 alleles (0.00012%); highest among the groups gnomAD compares: African/African-American, 0.0013%; no homozygotes.

Submission:

GeneDx
Classification: Uncertain significance. Last evaluated: 2025-06-05. Review status: criteria provided, single submitter. Criteria: GeneDx Variant Classification Process June 2021. Collection method: clinical testing. Allele origin: germline. Affected: yes.
Comment: Not observed at significant frequency in large population cohorts (gnomAD); In silico analysis supports that this missense variant has a deleterious effect on protein structure/function; This variant is associated with the following publications: (PMID: 12543979, 35133174)